The following is an entry in ClinVar:

ClinVar aggregate classification (germline): Uncertain significance. Review status: criteria provided, multiple submitters, no conflicts (2 of 4 stars). 3 submissions from 3 submitters: Uncertain significance (3). Last evaluated 2025-12-30.

Conditions:
Hereditary cancer-predisposing syndrome. Also called: Tumor predisposition; Neoplastic Syndromes, Hereditary; Hereditary Cancer Syndrome; Hereditary neoplastic syndrome. Identifiers: Orphanet 140162, MedGen C0027672, MeSH D009386, MONDO:0015356.
Multiple endocrine neoplasia, type 1 (MEN1). Also called: MEN I; WERMER SYNDROME; Endocrine adenomatosis multiple; MEN 1; MEA I. Identifiers: Orphanet 652, MedGen C0025267, MeSH D018761, MONDO:0007540, OMIM 131100.

Allele frequency attached by ClinVar (database versions not stated): gnomAD exomes below 0.00001; ExAC 0.00001.

Submissions (3):

Ambry Genetics
Classification: Uncertain significance for Hereditary cancer-predisposing syndrome. Last evaluated: 2025-12-30. Review status: criteria provided, single submitter. Criteria: Ambry Variant Classification Scheme 2023. Collection method: clinical testing. Allele origin: germline.
Comment: The p.V458A variant (also known as c.1373T>C), located in coding exon 9 of the MEN1 gene, results from a T to C substitution at nucleotide position 1373. The valine at codon 458 is replaced by alanine, an amino acid with similar properties. This amino acid position is well conserved in available vertebrate species. In addition, the in silico prediction for this alteration is inconclusive. Based on the available evidence, the clinical significance of this variant remains unclear.

Baylor Genetics
Classification: Uncertain significance for Multiple Endocrine Neoplasia Type 1. Last evaluated: 2024-02-05. Review status: criteria provided, single submitter. Criteria: ACMG Guidelines, 2015. Collection method: clinical testing. Allele origin: unknown.

Labcorp Genetics (formerly Invitae), Labcorp
Classification: Uncertain significance for Multiple endocrine neoplasia, type 1. Last evaluated: 2023-04-28. Review status: criteria provided, single submitter. Criteria: Invitae Variant Classification Sherloc (09022015). Collection method: clinical testing. Allele origin: germline.
Comment: This sequence change replaces valine, which is neutral and non-polar, with alanine, which is neutral and non-polar, at codon 458 of the MEN1 protein (p.Val458Ala). This variant is present in population databases (rs776950365, gnomAD 0.001%). In summary, the available evidence is currently insufficient to determine the role of this variant in disease. Therefore, it has been classified as a Variant of Uncertain Significance. Advanced modeling of protein sequence and biophysical properties (such as structural, functional, and spatial information, amino acid conservation, physicochemical variation, residue mobility, and thermodynamic stability) has been performed at Invitae for this missense variant, however the output from this modeling did not meet the statistical confidence thresholds required to predict the impact of this variant on MEN1 protein function. This variant has not been reported in the literature in individuals affected with MEN1-related conditions.

NM_001370259.2(MEN1):c.1373T>C (p.Val458Ala)

Gene: MEN1 (menin 1; minus strand). Cytogenetic location: 11q13.1.
Variant type: single nucleotide variant.
Coding change: c.1373T>C on transcript NM_001370259.2 (MANE Select); coding-DNA position 1373, T replaced by C.
Protein change: p.Val458Ala; replaces valine 458 with alanine.
Molecular consequence: missense variant. On other transcripts: non-coding transcript variant (4).
Genome position (GRCh38, 1-based): chr11:64,804,794, A>G on the plus strand (T>C on the coding strand, the complement: MEN1 is on the minus strand). VCF-style: chr11-64804794-A-G. GRCh37 (hg19) VCF-style: chr11-64572266-A-G.
Other names: c.1388T>C, p.Val463Ala (NM_001407145.1, NM_000244.4, NM_130800.3 and 4 more transcripts); c.1373T>C, p.Val458Ala (NM_001407146.1, NM_001407147.1, NM_001370260.2 and 2 more transcripts); c.1268T>C, p.Val423Ala (NM_001407148.1, NM_001407149.1, NM_001370262.2 and 1 more transcripts); c.1514T>C, p.Val505Ala (NM_001407150.1); c.1394T>C, p.Val465Ala (NM_001407151.1); c.1208T>C, p.Val403Ala (NM_001407152.1); c.1499T>C, p.Val500Ala (NM_001370251.2, NM_001407142.1, NM_001407143.1 and 1 more transcripts); short protein forms V403A, V423A, V463A, V458A, V465A, V500A, V505A.
Identifiers: ClinVar variation 2874931 (VCV002874931.5), dbSNP rs776950365, ClinGen allele CA060556.